The following is an entry in ClinVar:

ClinVar aggregate classification (germline): Benign/Likely benign. Review status: criteria provided, multiple submitters, no conflicts (2 of 4 stars). 3 submissions from 3 submitters: Benign (1); Likely benign (2). Last evaluated 2026-09-01.

Allele frequency attached by ClinVar (database versions not stated): 1000 Genomes Project 30x 0.00265; 1000 Genomes Project 0.00280; gnomAD 0.00436 and 0.00444; TOPMed 0.00449; gnomAD exomes 0.00499 and 0.00644; ExAC 0.00521; ESP Exome Variant Server 0.00546.
gnomAD v4.1: 10,010 of 1,613,346 alleles (0.62%); highest among the groups gnomAD compares: Non-Finnish European, 0.75%; 47 homozygotes.

Submissions (3):

CeGaT Center for Human Genetics Tuebingen
Classification: Likely benign. Last evaluated: 2026-09-01. Review status: criteria provided, single submitter. Criteria: CeGaT Center For Human Genetics Tuebingen Variant Classification Criteria Version 2. Collection method: clinical testing. Allele origin: germline. Affected: yes. Observed: 39 variant alleles.
Comment: ATAD3A: BP4, BP7, BS2

Labcorp Genetics (formerly Invitae), Labcorp
Classification: Benign. Last evaluated: 2017-12-27. Review status: criteria provided, single submitter. Criteria: Invitae Variant Classification Sherloc (09022015). Collection method: clinical testing. Allele origin: germline.

Breakthrough Genomics
Classification: Likely benign. Review status: criteria provided, single submitter. Criteria: ACMG Guidelines, 2015. Collection method: not provided. Allele origin: germline. Inheritance: Autosomal recessive inheritance. Affected: yes.

NM_001170535.3(ATAD3A):c.1749C>T (p.Pro583=)

Gene: ATAD3A (ATPase family AAA domain containing 3A; plus strand). Cytogenetic location: 1p36.33.
Variant type: single nucleotide variant.
Coding change: c.1749C>T on transcript NM_001170535.3 (MANE Select); coding-DNA position 1749, C replaced by T.
Protein change: p.Pro583=; no amino-acid change (proline 583 retained).
Molecular consequence: synonymous variant.
Genome position (GRCh38, 1-based): chr1:1,534,060, C>T. VCF-style: chr1-1534060-C-T. GRCh37 (hg19) VCF-style: chr1-1469440-C-T.
Other names: c.1512C>T, p.Pro504= (NM_001170536.3); c.1893C>T, p.Pro631= (NM_018188.5).
Identifiers: ClinVar variation 719313 (VCV000719313.35), dbSNP rs138170400, ClinGen allele CA526579.